The following is an entry in ClinVar:

NM_005570.4(LMAN1):c.638C>T (p.Thr213Ile)

Gene: LMAN1 (lectin, mannose binding 1; minus strand). Cytogenetic location: 18q21.32.
Variant type: single nucleotide variant.
Coding change: c.638C>T on transcript NM_005570.4 (MANE Select); coding-DNA position 638, C replaced by T.
Protein change: p.Thr213Ile; replaces threonine 213 with isoleucine.
Molecular consequence: missense variant.
Genome position (GRCh38, 1-based): chr18:59,353,203, G>A on the plus strand (C>T on the coding strand, the complement: LMAN1 is on the minus strand). VCF-style: chr18-59353203-G-A. GRCh37 (hg19) VCF-style: chr18-57020435-G-A.
Other names: short protein forms T213I.
Identifiers: ClinVar variation 891801 (VCV000891801.5), dbSNP rs144038994, ClinGen allele CA8979903.
Genomic context (GRCh38, chr18:59,353,203, plus strand): 5'-AATGAAAAGTGATACTGTAACATTGTTTATTTGATTCTCTCTAAATAGATGTTACTTACT[G>A]TCAGTGTGTTCTGGTAATAGGTAATCTTTGCTCGGACAGGATAGGGTTTGTTGCGGAAGT-3'
Protein context (NP_005561.1, residues 203-223): AKITYYQNTL[Thr213Ile]VMINNGFTPD

ClinVar aggregate classification (germline): Conflicting classifications of pathogenicity. Review status: criteria provided, conflicting classifications (1 of 4 stars). 2 submissions from 2 submitters: Uncertain significance (1); Likely benign (1). Last evaluated 2024-12-17.

Conditions:
Factor V and factor VIII, combined deficiency of, type 1. Also called: Combined factor V and VIII deficiency; FMFD I; FAMILIAL MULTIPLE COAGULATION FACTOR DEFICIENCY I; MULTIPLE COAGULATION FACTOR DEFICIENCY I. Identifiers: Orphanet 35909, MedGen C4551981, MONDO:0009206, OMIM 227300.
LMAN1-related disorder. Also called: LMAN1-related condition.

Allele frequency attached by ClinVar (database versions not stated): gnomAD 0.00007 and 0.00011; TOPMed 0.00008; gnomAD exomes 0.00009 and 0.00015; ExAC 0.00017; 1000 Genomes Project 0.00020; 1000 Genomes Project 30x 0.00031.
gnomAD v4.1: 143 of 1,606,842 alleles (0.0089%); highest among the groups gnomAD compares: East Asian, 0.17%; no homozygotes.

Submissions (2):

PreventionGenetics, part of Exact Sciences
Classification: Likely benign for LMAN1-related condition. Last evaluated: 2024-12-17. Review status: criteria provided, single submitter. Criteria: ACMG Guidelines, 2015. Collection method: clinical testing. Allele origin: germline.
Comment: This variant is classified as likely benign based on ACMG/AMP sequence variant interpretation guidelines (Richards et al. 2015 PMID: 25741868, with internal and published modifications).

Illumina Laboratory Services, Illumina
Classification: Uncertain significance for Factor V and factor VIII, combined deficiency of, type 1. Last evaluated: 2018-01-12. Review status: criteria provided, single submitter. Criteria: ICSL Variant Classification Criteria 13 December 2019. Collection method: clinical testing. Allele origin: germline.